The following is an entry in ClinVar:

ClinVar aggregate classification (germline): Uncertain significance (1 of 4 stars; one submission).

Conditions:
Lymphoproliferative syndrome 1 (LPFS1). Identifiers: Orphanet 238505, Orphanet 538963, MedGen C3552634, MONDO:0013081, OMIM 613011.

Submission:

Labcorp Genetics (formerly Invitae), Labcorp
Classification: Uncertain significance for Lymphoproliferative syndrome 1. Last evaluated: 2018-12-23. Review status: criteria provided, single submitter. Criteria: Invitae Variant Classification Sherloc (09022015). Collection method: clinical testing. Allele origin: germline.
Comment: This sequence change replaces lysine with asparagine at codon 291 of the ITK protein (p.Lys291Asn). The lysine residue is highly conserved and there is a moderate physicochemical difference between lysine and asparagine. This variant is not present in population databases (ExAC no frequency). This variant has not been reported in the literature in individuals with ITK-related conditions. Algorithms developed to predict the effect of missense changes on protein structure and function (SIFT, PolyPhen-2, Align-GVGD) all suggest that this variant is likely to be disruptive, but these predictions have not been confirmed by published functional studies and their clinical significance is uncertain. In summary, the available evidence is currently insufficient to determine the role of this variant in disease. Therefore, it has been classified as a Variant of Uncertain Significance.

NM_005546.4(ITK):c.873G>T (p.Lys291Asn)

Gene: ITK (IL2 inducible T cell kinase; plus strand). Cytogenetic location: 5q33.3.
Variant type: single nucleotide variant.
Coding change: c.873G>T on transcript NM_005546.4 (MANE Select); coding-DNA position 873, G replaced by T.
Protein change: p.Lys291Asn; replaces lysine 291 with asparagine.
Molecular consequence: missense variant.
Genome position (GRCh38, 1-based): chr5:157,240,083, G>T. VCF-style: chr5-157240083-G-T. GRCh37 (hg19) VCF-style: chr5-156667093-G-T.
Other names: short protein forms K291N.
Identifiers: ClinVar variation 657763 (VCV000657763.8), dbSNP rs1580905431, ClinGen allele CA361957824.